The following is an entry in ClinVar:

ClinVar aggregate classification (germline): Likely benign. Review status: criteria provided, multiple submitters, no conflicts (2 of 4 stars). 2 submissions from 2 submitters: Likely benign (2). Last evaluated 2026-01-17.

Allele frequency attached by ClinVar (database versions not stated): 1000 Genomes Project 0.00060; 1000 Genomes Project 30x 0.00062; ExAC 0.00096; gnomAD exomes 0.00100 and 0.00194; TOPMed 0.00110; gnomAD 0.00127 and 0.00132; ESP Exome Variant Server 0.00146.
gnomAD v4.1: 2,920 of 1,580,180 alleles (0.18%); highest among the groups gnomAD compares: Non-Finnish European, 0.24%; 3 homozygotes.

Submissions (2):

Labcorp Genetics (formerly Invitae), Labcorp
Classification: Likely benign. Last evaluated: 2026-01-17. Review status: criteria provided, single submitter. Criteria: Invitae Variant Classification Sherloc (09022015). Collection method: clinical testing. Allele origin: germline.

CeGaT Center for Human Genetics Tuebingen
Classification: Likely benign. Last evaluated: 2025-03-01. Review status: criteria provided, single submitter. Criteria: CeGaT Center For Human Genetics Tuebingen Variant Classification Criteria Version 2. Collection method: clinical testing. Allele origin: germline. Affected: yes. Observed: 3 variant alleles.
Comment: EXOSC8: BP4

NM_181503.3(EXOSC8):c.391-7A>G

Gene: EXOSC8 (exosome component 8; plus strand). Cytogenetic location: 13q13.3.
Variant type: single nucleotide variant.
Coding change: c.391-7A>G on transcript NM_181503.3 (MANE Select); 7 bases into the intron before coding-DNA position 391, A replaced by G.
Molecular consequence: intron variant.
Genome position (GRCh38, 1-based): chr13:37,006,968, A>G. VCF-style: chr13-37006968-A-G. GRCh37 (hg19) VCF-style: chr13-37581105-A-G.
Identifiers: ClinVar variation 779155 (VCV000779155.48), dbSNP rs41292225, ClinGen allele CA6951239.